The following is an entry in ClinVar:

ClinVar aggregate classification (germline): Uncertain significance. Review status: criteria provided, multiple submitters, no conflicts (2 of 4 stars). 2 submissions from 2 submitters: Uncertain significance (2). Last evaluated 2015-09-30.

Conditions:
Cardiovascular phenotype. Identifiers: MedGen CN230736.

Submissions (2):

Ambry Genetics
Classification: Uncertain significance for Cardiovascular phenotype. Last evaluated: 2015-09-30. Review status: criteria provided, single submitter. Criteria: Ambry Variant Classification Scheme 2023. Collection method: clinical testing. Allele origin: germline.
Comment: The p.I152V variant (also known as c.454A>G), located in coding exon 3 of the TTN gene, results from an A to G substitution at nucleotide position 454. The isoleucine at codon 152 is replaced by valine, an amino acid with highly similar properties. The p.I152V variant has been reported as a secondary cardiac variant of unknown significance in an exome cohort (Ng D et al. Circ Cardiovasc Genet. 2013;6(4):337-46). This variant was previously reported in the SNPDatabase as rs786205406. This variant was not reported in population based cohorts in the following databases: NHLBI Exome Sequencing Project (ESP) and 1000 Genomes Project. In the ESP, this variant was not observed in 6503 samples (13006 alleles) with coverage at this position. This amino acid position is well conserved in available vertebrate species. In addition, this alteration is predicted to be tolerated by in silico analysis. Since supporting evidence is limited at this time, the clinical significance of this variant remains unclear.

Biesecker Lab/Clinical Genomics Section, National Institutes of Health
Classification: Uncertain significance. Last evaluated: 2013-06-24. Review status: criteria provided, single submitter. Criteria: Ng et al. (Circ Cardiovasc Genet. 2013). Collection method: research. Allele origin: unknown. Observed: 1 variant allele. Study: ClinSeq.
Comment: The study set was not selected for affection status in relation to any cancer. Pathogenicity categories were based on literature curation. See Pubmed ID:23861362 for details.

Medical sequencing

NM_001267550.2(TTN):c.454A>G (p.Ile152Val)

Gene: TTN (titin; minus strand). Cytogenetic location: 2q31.2.
Variant type: single nucleotide variant.
Coding change: c.454A>G on transcript NM_001267550.2 (MANE Select); coding-DNA position 454, A replaced by G.
Protein change: p.Ile152Val; replaces isoleucine 152 with valine.
Molecular consequence: missense variant.
Genome position (GRCh38, 1-based): chr2:178,800,524, T>C on the plus strand (A>G on the coding strand, the complement: TTN is on the minus strand). VCF-style: chr2-178800524-T-C. GRCh37 (hg19) VCF-style: chr2-179665251-T-C.
Other names: c.454A>G, p.Ile152Val (NM_003319.4, NM_133378.4, NM_001256850.1 and 3 more transcripts); short protein forms I152V.
Identifiers: ClinVar variation 192098 (VCV000192098.5), dbSNP rs786205406, ClinGen allele CA238344.